The following is an entry in ClinVar:

NM_000083.3(CLCN1):c.301+6G>A

Gene: CLCN1 (chloride voltage-gated channel 1; plus strand). Cytogenetic location: 7q34.
Variant type: single nucleotide variant.
Coding change: c.301+6G>A on transcript NM_000083.3 (MANE Select); 6 bases into the intron after coding-DNA position 301, G replaced by A.
Molecular consequence: intron variant.
Genome position (GRCh38, 1-based): chr7:143,319,881, G>A. VCF-style: chr7-143319881-G-A. GRCh37 (hg19) VCF-style: chr7-143016974-G-A.
Identifiers: ClinVar variation 4682171 (VCV004682171.2).

ClinVar aggregate classification (germline): Uncertain significance. Review status: criteria provided, multiple submitters, no conflicts (2 of 4 stars). 2 submissions from 2 submitters: Uncertain significance (2). Last evaluated 2025-09-06.

Conditions:
Congenital myotonia, autosomal dominant form (THD). Also called: THOMSEN DISEASE; Myotonia congenita autosomal dominant. Identifiers: Orphanet 614, MedGen C2936781, MONDO:0008055, OMIM 160800.
Congenital myotonia, autosomal recessive form. Also called: BECKER DISEASE; myotonia congenita, autosomal recessive; Becker Generalized Myotonia. Identifiers: Orphanet 614, MedGen C0751360, MONDO:0009715, OMIM 255700.

Submissions (2):

Labcorp Genetics (formerly Invitae), Labcorp
Classification: Uncertain significance for Congenital myotonia, autosomal recessive form; Congenital myotonia, autosomal dominant form. Last evaluated: 2025-09-06. Review status: criteria provided, single submitter. Criteria: Invitae Variant Classification Sherloc (09022015). Collection method: clinical testing. Allele origin: germline.
Comment: This sequence change falls in intron 2 of the CLCN1 gene. It does not directly change the encoded amino acid sequence of the CLCN1 protein. It affects a nucleotide within the consensus splice site. This variant is not present in population databases (gnomAD no frequency). This variant has not been reported in the literature in individuals affected with CLCN1-related conditions. Variants that disrupt the consensus splice site are a relatively common cause of aberrant splicing (PMID: 17576681, 9536098). Algorithms developed to predict the effect of sequence changes on RNA splicing suggest that this variant may disrupt the consensus splice site. In summary, the available evidence is currently insufficient to determine the role of this variant in disease. Therefore, it has been classified as a Variant of Uncertain Significance.

Athena Diagnostics
Classification: Uncertain significance. Last evaluated: 2025-07-18. Review status: criteria provided, single submitter. Criteria: Athena Diagnostics Criteria. Collection method: clinical testing. Allele origin: unknown.
Comment: Available data are insufficient to determine the clinical significance of the variant at this time. This variant has not been reported in large, multi-ethnic general populations. Computational tools yielded predictions that this variant is unlikely to have an effect on normal RNA splicing.

Literature cited by the submitters: PubMed 17576681 (cited by Labcorp Genetics (formerly Invitae), Labcorp); PubMed 9536098 (cited by Labcorp Genetics (formerly Invitae), Labcorp).